The following is an entry in ClinVar:

ClinVar aggregate classification (germline): Uncertain significance (1 of 4 stars; one submission).

Conditions:
Hereditary pancreatitis (PCTT). Also called: Hereditary chronic pancreatitis; PRSS1-Related Hereditary Pancreatitis. Identifiers: Orphanet 676, MedGen C0238339, MONDO:0008185, OMIM 167800.

Submission:

Ambry Genetics
Classification: Uncertain significance for Hereditary pancreatitis. Last evaluated: 2023-09-21. Review status: criteria provided, single submitter. Criteria: Ambry Variant Classification Scheme 2023. Collection method: clinical testing. Allele origin: germline.
Comment: The p.I219T variant (also known as c.656T>C), located in coding exon 6 of the CPA1 gene, results from a T to C substitution at nucleotide position 656. The isoleucine at codon 219 is replaced by threonine, an amino acid with similar properties. This amino acid position is conserved. In addition, the in silico prediction for this alteration is inconclusive. Since supporting evidence is limited at this time, the clinical significance of this alteration remains unclear.

NM_001868.4(CPA1):c.656T>C (p.Ile219Thr)

Gene: CPA1 (carboxypeptidase A1; plus strand). Cytogenetic location: 7q32.2.
Variant type: single nucleotide variant.
Coding change: c.656T>C on transcript NM_001868.4 (MANE Select); coding-DNA position 656, T replaced by C.
Protein change: p.Ile219Thr; replaces isoleucine 219 with threonine.
Molecular consequence: missense variant.
Genome position (GRCh38, 1-based): chr7:130,383,754, T>C. VCF-style: chr7-130383754-T-C. GRCh37 (hg19) VCF-style: chr7-130023595-T-C.
Other names: short protein forms I219T.
Identifiers: ClinVar variation 3221843 (VCV003221843.1), dbSNP rs2536008861, ClinGen allele CA369282780.